The following is an entry in ClinVar:

ClinVar aggregate classification (germline): Uncertain significance (1 of 4 stars; one submission).

Allele frequency attached by ClinVar (database versions not stated): gnomAD exomes below 0.00001 and 0.00002; gnomAD 0.00001.
gnomAD v4.1: 3 of 1,532,644 alleles (0.0002%); highest among the groups gnomAD compares: African/African-American, 0.0027%; no homozygotes.

Submission:

Labcorp Genetics (formerly Invitae), Labcorp
Classification: Uncertain significance. Last evaluated: 2024-10-24. Review status: criteria provided, single submitter. Criteria: Invitae Variant Classification Sherloc (09022015). Collection method: clinical testing. Allele origin: germline.
Comment: This sequence change replaces glutamine, which is neutral and polar, with histidine, which is basic and polar, at codon 880 of the ARHGEF18 protein (p.Gln880His). This variant is present in population databases (no rsID available, gnomAD 0.02%). This variant has not been reported in the literature in individuals affected with ARHGEF18-related conditions. ClinVar contains an entry for this variant (Variation ID: 1382947). An algorithm developed to predict the effect of missense changes on protein structure and function (PolyPhen-2) suggests that this variant is likely to be disruptive. In summary, the available evidence is currently insufficient to determine the role of this variant in disease. Therefore, it has been classified as a Variant of Uncertain Significance.

NM_001367823.1(ARHGEF18):c.3204G>C (p.Gln1068His)

Gene: ARHGEF18 (Rho/Rac guanine nucleotide exchange factor 18; plus strand). Cytogenetic location: 19p13.2.
Variant type: single nucleotide variant.
Coding change: c.3204G>C on transcript NM_001367823.1 (MANE Select); coding-DNA position 3204, G replaced by C.
Protein change: p.Gln1068His; replaces glutamine 1068 with histidine.
Molecular consequence: missense variant.
Genome position (GRCh38, 1-based): chr19:7,467,408, G>C. VCF-style: chr19-7467408-G-C. GRCh37 (hg19) VCF-style: chr19-7532294-G-C.
Other names: c.2478G>C, p.Gln826His (NM_001130955.2); c.2166G>C, p.Gln722His (NM_001367824.1, NM_015318.4); short protein forms Q722H, Q826H, Q1068H.
Identifiers: ClinVar variation 1382947 (VCV001382947.6), dbSNP rs994698798, ClinGen allele CA304856530.